The following is an entry in ClinVar:

ClinVar aggregate classification (germline): Uncertain significance. Review status: criteria provided, multiple submitters, no conflicts (2 of 4 stars). 2 submissions from 2 submitters: Uncertain significance (2). Last evaluated 2025-10-01.

Conditions:
Neuropathy, hereditary sensory and autonomic, type 2A (HSAN2A). Also called: HSAN IIA; WNK1-Related HSAN2 (HSAN2A); ACROOSTEOLYSIS, GIACCAI TYPE; ACROOSTEOLYSIS, NEUROGENIC; MORVAN DISEASE; NEUROPATHY, CONGENITAL SENSORY. Identifiers: Orphanet 970, MedGen C2752089, MONDO:0024309, OMIM 201300.
Pseudohypoaldosteronism type 2C (PHA2C). Also called: Pseudohypoaldosteronism Type IIC. Identifiers: Orphanet 757, Orphanet 88940, MedGen C1840391, MONDO:0013778, OMIM 614492.

Allele frequency attached by ClinVar (database versions not stated): gnomAD exomes below 0.00001 and 0.00001; gnomAD 0.00003; TOPMed 0.00003.
gnomAD v4.1: 8 of 1,614,040 alleles (0.0005%); highest among the groups gnomAD compares: African/African-American, 0.011%; no homozygotes.

Submissions (2):

Labcorp Genetics (formerly Invitae), Labcorp
Classification: Uncertain significance for Neuropathy, hereditary sensory and autonomic, type 2A; Pseudohypoaldosteronism type 2C. Last evaluated: 2025-10-01. Review status: criteria provided, single submitter. Criteria: Invitae Variant Classification Sherloc (09022015). Collection method: clinical testing. Allele origin: germline.
Comment: This sequence change replaces arginine, which is basic and polar, with serine, which is neutral and polar, at codon 893 of the WNK1 protein (p.Arg893Ser). This variant is present in population databases (no rsID available, gnomAD 0.007%). This variant has not been reported in the literature in individuals affected with WNK1-related conditions. ClinVar contains an entry for this variant (Variation ID: 1308483). Invitae Evidence Modeling of protein sequence and biophysical properties (such as structural, functional, and spatial information, amino acid conservation, physicochemical variation, residue mobility, and thermodynamic stability) indicates that this missense variant is not expected to disrupt WNK1 protein function with a negative predictive value of 95%. In summary, the available evidence is currently insufficient to determine the role of this variant in disease. Therefore, it has been classified as a Variant of Uncertain Significance.

GeneDx
Classification: Uncertain significance. Last evaluated: 2019-04-02. Review status: criteria provided, single submitter. Criteria: GeneDx Variant Classification Process June 2021. Collection method: clinical testing. Allele origin: germline. Affected: yes.
Comment: Not observed at a significant frequency in large population cohorts (Lek et al., 2016); In silico analysis, which includes protein predictors and evolutionary conservation, supports that this variant does not alter protein structure/function; Has not been previously published as pathogenic or benign to our knowledge

NM_213655.5(WNK1):c.2679A>C (p.Arg893Ser)

Gene: WNK1 (WNK lysine deficient protein kinase 1; plus strand). Cytogenetic location: 12p13.33.
Variant type: single nucleotide variant.
Coding change: c.2679A>C on transcript NM_213655.5 (MANE Plus Clinical); coding-DNA position 2679, A replaced by C.
Protein change: p.Arg893Ser; replaces arginine 893 with serine.
Molecular consequence: missense variant. On other transcripts: intron variant (2).
Genome position (GRCh38, 1-based): chr12:868,150, A>C. VCF-style: chr12-868150-A-C. GRCh37 (hg19) VCF-style: chr12-977316-A-C.
Other names: c.2424A>C, p.Arg808Ser (NM_001184985.2); c.2140-3115A>C (NM_018979.4, NM_014823.3); short protein forms R808S, R893S.
Identifiers: ClinVar variation 1308483 (VCV001308483.3), dbSNP rs1429843547, ClinGen allele CA383339385.